The following is an entry in ClinVar:

ClinVar aggregate classification (germline): Uncertain significance (1 of 4 stars; one submission).

Submission:

Labcorp Genetics (formerly Invitae), Labcorp
Classification: Uncertain significance. Last evaluated: 2021-01-09. Review status: criteria provided, single submitter. Criteria: Invitae Variant Classification Sherloc (09022015). Collection method: clinical testing. Allele origin: germline.
Comment: This variant is not present in population databases (ExAC no frequency). In summary, the available evidence is currently insufficient to determine the role of this variant in disease. Therefore, it has been classified as a Variant of Uncertain Significance. Algorithms developed to predict the effect of missense changes on protein structure and function are either unavailable or do not agree on the potential impact of this missense change (SIFT: "Deleterious"; PolyPhen-2: "Possibly Damaging"; Align-GVGD: "Class C0"). This variant has not been reported in the literature in individuals with CTNNA1-related conditions. This sequence change replaces arginine with serine at codon 54 of the CTNNA1 protein (p.Arg54Ser). The arginine residue is highly conserved and there is a moderate physicochemical difference between arginine and serine.

NM_001903.5(CTNNA1):c.160C>A (p.Arg54Ser)

Gene: CTNNA1 (catenin alpha 1; plus strand). Cytogenetic location: 5q31.2.
Variant type: single nucleotide variant.
Coding change: c.160C>A on transcript NM_001903.5 (MANE Select); coding-DNA position 160, C replaced by A.
Protein change: p.Arg54Ser; replaces arginine 54 with serine.
Molecular consequence: missense variant. On other transcripts: 5 prime UTR variant (1), intron variant (1).
Genome position (GRCh38, 1-based): chr5:138,783,231, C>A. VCF-style: chr5-138783231-C-A. GRCh37 (hg19) VCF-style: chr5-138118920-C-A.
Other names: c.160C>A, p.Arg54Ser (NM_001290307.3, NM_001323982.2, NM_001323983.1 and 3 more transcripts); c.-47C>A (NM_001290310.3); c.-9+1202C>A (NM_001290309.3); short protein forms R54S.
Identifiers: ClinVar variation 1349272 (VCV001349272.8), dbSNP rs781520852, ClinGen allele CA361477377.